The following is an entry in ClinVar:

ClinVar aggregate classification (germline): Pathogenic (1 of 4 stars; one submission).

Conditions:
Familial temporal lobe epilepsy 7. Identifiers: Orphanet 101046, MedGen C4225327, MONDO:0014639, OMIM 616436.
Norman-Roberts syndrome (LIS2). Also called: Lissencephaly 2 (Norman-Roberts type). Identifiers: Orphanet 89844, MedGen C0796089, MONDO:0009760, OMIM 257320.

Submission:

Labcorp Genetics (formerly Invitae), Labcorp
Classification: Pathogenic for Familial temporal lobe epilepsy 7; Norman-Roberts syndrome. Last evaluated: 2022-01-16. Review status: criteria provided, single submitter. Criteria: Invitae Variant Classification Sherloc (09022015). Collection method: clinical testing. Allele origin: germline.
Comment: For these reasons, this variant has been classified as Pathogenic. This sequence change creates a premature translational stop signal (p.Gly1830Valfs*10) in the RELN gene. It is expected to result in an absent or disrupted protein product. Loss-of-function variants in RELN are known to be pathogenic (PMID: 10973257, 26046367, 28454995). This variant is not present in population databases (gnomAD no frequency). This variant has not been reported in the literature in individuals affected with RELN-related conditions.

Literature cited by the submitters: PubMed 10973257; PubMed 26046367; PubMed 28454995.

NM_005045.4(RELN):c.5489del (p.Gly1830fs)

Gene: RELN (reelin; minus strand). Cytogenetic location: 7q22.1.
Variant type: Deletion.
Coding change: c.5489del on transcript NM_005045.4 (MANE Select); coding-DNA position 5489, one base deleted (G; older notation c.5489delG).
Protein change: p.Gly1830fs; shifts the reading frame from glycine 1830.
Molecular consequence: frameshift variant.
Genome position (GRCh38, 1-based): chr7:103,561,572, C deleted on the plus strand (G on the coding strand, the reverse complement: RELN is on the minus strand); the first of 2 consecutive C bases (chr7:103,561,572-103,561,573); deleting either gives the same sequence. VCF-style (leftmost placement, unchanged base first): chr7-103561571-AC-A. GRCh37 (hg19) VCF-style: chr7-103202018-AC-A.
Other names: c.5489del, p.Gly1830fs (NM_173054.3); short protein forms G1830fs.
Identifiers: ClinVar variation 2086135 (VCV002086135.4), dbSNP rs2484733750, ClinGen allele CA2580076059.